The following is an entry in ClinVar:

ClinVar aggregate classification (germline): Likely pathogenic (1 of 4 stars; one submission).

Conditions:
Dilated cardiomyopathy 1G (CMD1G). Identifiers: Orphanet 154, MedGen C1858763, MONDO:0011400, OMIM 604145.
Autosomal recessive limb-girdle muscular dystrophy type 2J (LGMDR10). Also called: Limb-girdle muscular dystrophy, type 2J; MUSCULAR DYSTROPHY, LIMB-GIRDLE, AUTOSOMAL RECESSIVE 10. Identifiers: Orphanet 140922, MedGen C1837342, MONDO:0012127, OMIM 608807.

Submission:

Labcorp Genetics (formerly Invitae), Labcorp
Classification: Likely pathogenic for Dilated cardiomyopathy 1G; Autosomal recessive limb-girdle muscular dystrophy type 2J. Last evaluated: 2019-07-17. Review status: criteria provided, single submitter. Criteria: Invitae Variant Classification Sherloc (09022015). Collection method: clinical testing. Allele origin: germline.
Comment: This sequence change results in a premature translational stop signal in the TTN gene (p.Asp19973Ilefs*15). While this is not anticipated to result in nonsense mediated decay, it is expected to create a truncated TTN protein. This variant is not present in population databases (ExAC no frequency). This variant has not been reported in the literature in individuals with TTN-related conditions. This variant is located in the A band of TTN (PMID: 25589632). Truncating variants in this region are significantly overrepresented in patients affected with dilated cardiomyopathy (PMID: 25589632). Truncating variants in this region have also been reported in individuals affected with autosomal recessive centronuclear myopathy (PMID: 23975875). In summary, the currently available evidence indicates that the variant is pathogenic, but additional data are needed to prove that conclusively. Therefore, this variant has been classified as Likely Pathogenic.

Literature cited by the submitters: PubMed 25589632; PubMed 23975875.

NM_001267550.2(TTN):c.59917del (p.Asp19973fs)

Genes: TTN-AS1 (TTN antisense RNA 1; plus strand), TTN (titin; minus strand), LOC126806424 (CDK7 strongly-dependent group 2 enhancer GRCh37_chr2:179456337-179457536; plus strand). Cytogenetic location: 2q31.2.
Variant type: Deletion.
Coding change: c.59917del on transcript NM_001267550.2 (MANE Select); coding-DNA position 59917, one base deleted (G; older notation c.59917delG).
Protein change: p.Asp19973fs; shifts the reading frame from aspartic acid 19973.
Molecular consequence: frameshift variant.
Genome position (GRCh38, 1-based): chr2:178,591,987, C deleted on the plus strand (G on the coding strand, the reverse complement: TTN is on the minus strand); the first of 2 consecutive C bases (chr2:178,591,987-178,591,988); deleting either gives the same sequence. VCF-style (leftmost placement, unchanged base first): chr2-178591986-TC-T. GRCh37 (hg19) VCF-style: chr2-179456713-TC-T.
Other names: c.54994del, p.Asp18332fs (NM_001256850.1); c.32722del, p.Asp10908fs (NM_003319.4); c.52213del, p.Asp17405fs (NM_133378.4); c.33097del, p.Asp11033fs (NM_133432.3); c.33298del, p.Asp11100fs (NM_133437.4); short protein forms D11100fs, D11033fs, D18332fs, D19973fs, D10908fs, D17405fs.
Identifiers: ClinVar variation 962121 (VCV000962121.10), dbSNP rs2050315855, ClinGen allele CA1139655658.